The following is an entry in ClinVar:

NM_033109.5(PNPT1):c.516C>T (p.Gly172=)

Gene: PNPT1 (polyribonucleotide nucleotidyltransferase 1; minus strand). Cytogenetic location: 2p16.1.
Variant type: single nucleotide variant.
Coding change: c.516C>T on transcript NM_033109.5 (MANE Select); coding-DNA position 516, C replaced by T.
Protein change: p.Gly172=; no amino-acid change (glycine 172 retained).
Molecular consequence: synonymous variant.
Genome position (GRCh38, 1-based): chr2:55,680,856, G>A on the plus strand (C>T on the coding strand, the complement: PNPT1 is on the minus strand). VCF-style: chr2-55680856-G-A. GRCh37 (hg19) VCF-style: chr2-55907991-G-A.
Identifiers: ClinVar variation 518028 (VCV000518028.6), dbSNP rs372627112, ClinGen allele CA1668444.

ClinVar aggregate classification (germline): Conflicting classifications of pathogenicity. Review status: criteria provided, conflicting classifications (1 of 4 stars). 4 submissions from 4 submitters: Uncertain significance (2); Likely benign (1). 1 of the submissions does not count toward it. Last evaluated 2025-12-23.

Conditions:
PNPT1-related disorder. Also called: PNPT1-related condition; PNPT1-related disorders.

Allele frequency attached by ClinVar (database versions not stated): ExAC 0.00003; gnomAD exomes 0.00005; ESP Exome Variant Server 0.00008; gnomAD 0.00008 and 0.00009; TOPMed 0.00008.
gnomAD v4.1: 180 of 1,613,274 alleles (0.011%); highest among the groups gnomAD compares: Non-Finnish European, 0.013%; no homozygotes.

Submissions (4):

Women's Health and Genetics/Laboratory Corporation of America, LabCorp
Classification: Uncertain significance. Last evaluated: 2025-12-23. Review status: criteria provided, single submitter. Criteria: LabCorp Variant Classification Summary - May 2015. Collection method: clinical testing. Allele origin: germline.
Comment: Variant summary: PNPT1 c.516C>T (p.Gly172Gly) alters a conserved nucleotide located close to a canonical splice site and therefore could affect mRNA splicing, leading to a significantly altered protein sequence. Consensus agreement among computation tools predict no significant impact on normal splicing. However, these predictions have yet to be confirmed by functional studies. The variant allele was found at a frequency of 5.2e-05 in 250944 control chromosomes. This frequency is not significantly higher than estimated for disease-causing variants in PNPT1, allowing no conclusion about variant significance. To our knowledge, no occurrence of c.516C>T in individuals affected with PNPT1-related conditions and no experimental evidence demonstrating its impact on protein function have been reported. ClinVar contains an entry for this variant (Variation ID: 518028). Based on the evidence outlined above, the variant was classified as uncertain significance.

Labcorp Genetics (formerly Invitae), Labcorp
Classification: Uncertain significance. Last evaluated: 2022-05-29. Review status: criteria provided, single submitter. Criteria: Invitae Variant Classification Sherloc (09022015). Collection method: clinical testing. Allele origin: germline.
Comment: This sequence change affects codon 172 of the PNPT1 mRNA. It is a 'silent' change, meaning that it does not change the encoded amino acid sequence of the PNPT1 protein. It affects a nucleotide within the consensus splice site. This variant is present in population databases (rs372627112, gnomAD 0.01%). This variant has not been reported in the literature in individuals affected with PNPT1-related conditions. ClinVar contains an entry for this variant (Variation ID: 518028). Algorithms developed to predict the effect of sequence changes on RNA splicing suggest that this variant is not likely to affect RNA splicing. In summary, the available evidence is currently insufficient to determine the role of this variant in disease. Therefore, it has been classified as a Variant of Uncertain Significance.

GeneDx
Classification: Likely benign. Last evaluated: 2017-06-23. Review status: criteria provided, single submitter. Criteria: GeneDx Variant Classification (06012015). Collection method: clinical testing. Allele origin: germline. Affected: yes.
Comment: This variant is considered likely benign or benign based on one or more of the following criteria: it is a conservative change, it occurs at a poorly conserved position in the protein, it is predicted to be benign by multiple in silico algorithms, and/or has population frequency not consistent with disease.

PreventionGenetics, part of Exact Sciences
Classification: Likely benign for PNPT1-related condition. Last evaluated: 2019-08-20. Review status: no assertion criteria provided. Collection method: clinical testing. Allele origin: germline. Not counted in ClinVar's aggregate classification.
Comment: This variant is classified as likely benign based on ACMG/AMP sequence variant interpretation guidelines (Richards et al. 2015 PMID: 25741868, with internal and published modifications).